The following is an entry in ClinVar:

NM_002528.7(NTHL1):c.255G>T (p.Gln85His)

Gene: NTHL1 (nth like DNA glycosylase 1; minus strand). Cytogenetic location: 16p13.3.
Variant type: single nucleotide variant.
Coding change: c.255G>T on transcript NM_002528.7 (MANE Select); coding-DNA position 255, G replaced by T.
Protein change: p.Gln85His; replaces glutamine 85 with histidine.
Molecular consequence: missense variant. On other transcripts: intron variant (1).
Genome position (GRCh38, 1-based): chr16:2,046,227, C>A on the plus strand (G>T on the coding strand, the complement: NTHL1 is on the minus strand). VCF-style: chr16-2046227-C-A. GRCh37 (hg19) VCF-style: chr16-2096228-C-A.
Other names: c.255G>T, p.Gln85His (NM_001318193.2); c.24+53G>T (NM_001318194.2); short protein forms Q85H.
Identifiers: ClinVar variation 1796146 (VCV001796146.2), dbSNP rs2150946038, ClinGen allele CA394297100.
Genomic context (GRCh38, chr16:2,046,227, plus strand): 5'-CAGATGGTCCACAGGTGCATCCTTTTTGTTCCTCATGGCACGGATGTTGACCAGCTGTTG[C>A]TGCCAGTCCTGGGGCTCCCAGACTGGCACCTTGAGGGGCTCAGCCCCCTCACCTTTCTCA-3'
Protein context (NP_002519.2, residues 75-95): KVPVWEPQDW[Gln85His]QQLVNIRAMR

ClinVar aggregate classification (germline): Uncertain significance (1 of 4 stars; one submission).

Conditions:
Hereditary cancer-predisposing syndrome. Also called: Tumor predisposition; Hereditary Cancer Syndrome; Neoplastic Syndromes, Hereditary; Hereditary neoplastic syndrome. Identifiers: Orphanet 140162, MedGen C0027672, MeSH D009386, MONDO:0015356.

Submission:

Ambry Genetics
Classification: Uncertain significance for Hereditary cancer-predisposing syndrome. Last evaluated: 2022-07-02. Review status: criteria provided, single submitter. Criteria: Ambry Variant Classification Scheme 2023. Collection method: clinical testing. Allele origin: germline.
Comment: The p.Q93H variant (also known as c.279G>T), located in coding exon 2 of the NTHL1 gene, results from a G to T substitution at nucleotide position 279. The glutamine at codon 93 is replaced by histidine, an amino acid with highly similar properties. This amino acid position is conserved. In addition, this alteration is predicted to be tolerated by in silico analysis. Since supporting evidence is limited at this time, the clinical significance of this alteration remains unclear.